The following is an entry in ClinVar:

ClinVar aggregate classification (germline): Pathogenic (1 of 4 stars; one submission).

Submission:

Labcorp Genetics (formerly Invitae), Labcorp
Classification: Pathogenic. Last evaluated: 2022-08-16. Review status: criteria provided, single submitter. Criteria: Invitae Variant Classification Sherloc (09022015). Collection method: clinical testing. Allele origin: germline.
Comment: This sequence change creates a premature translational stop signal (p.Gly1409Glufs*143) in the COL4A4 gene. It is expected to result in an absent or disrupted protein product. Loss-of-function variants in COL4A4 are known to be pathogenic (PMID: 21196518, 24854265, 25307543). This variant is not present in population databases (gnomAD no frequency). This variant has not been reported in the literature in individuals affected with COL4A4-related conditions. ClinVar contains an entry for this variant (Variation ID: 1459328). For these reasons, this variant has been classified as Pathogenic.

Literature cited by the submitters: PubMed 21196518; PubMed 24854265; PubMed 25307543.

NM_000092.5(COL4A4):c.4226del (p.Gly1409fs)

Gene: COL4A4 (collagen type IV alpha 4 chain; minus strand). Cytogenetic location: 2q36.3.
Variant type: Deletion.
Coding change: c.4226del on transcript NM_000092.5 (MANE Select); coding-DNA position 4226, one base deleted (G; older notation c.4226delG).
Protein change: p.Gly1409fs; shifts the reading frame from glycine 1409.
Molecular consequence: frameshift variant.
Genome position (GRCh38, 1-based): chr2:227,012,288, C deleted on the plus strand (G on the coding strand, the reverse complement: COL4A4 is on the minus strand); the first of 2 consecutive C bases (chr2:227,012,288-227,012,289); deleting either gives the same sequence. VCF-style (leftmost placement, unchanged base first): chr2-227012287-TC-T. GRCh37 (hg19) VCF-style: chr2-227877003-TC-T.
Other names: short protein forms G1409fs.
Identifiers: ClinVar variation 1459328 (VCV001459328.6), dbSNP rs1963907888, ClinGen allele CA2573135367.